The following is an entry in ClinVar:

NM_022437.3(ABCG8):c.1642G>A (p.Ala548Thr)

Gene: ABCG8 (ATP binding cassette subfamily G member 8; plus strand). Cytogenetic location: 2p21.
Variant type: single nucleotide variant.
Coding change: c.1642G>A on transcript NM_022437.3 (MANE Select); coding-DNA position 1642, G replaced by A.
Protein change: p.Ala548Thr; replaces alanine 548 with threonine.
Molecular consequence: missense variant.
Genome position (GRCh38, 1-based): chr2:43,875,299, G>A. VCF-style: chr2-43875299-G-A. GRCh37 (hg19) VCF-style: chr2-44102438-G-A.
Other names: c.1639G>A, p.Ala547Thr (NM_001357321.2); short protein forms A547T, A548T.
Identifiers: ClinVar variation 1777075 (VCV001777075.2), dbSNP rs770402069, ClinGen allele CA1637570.

ClinVar aggregate classification (germline): Uncertain significance (1 of 4 stars; one submission).

Conditions:
Cardiovascular phenotype. Identifiers: MedGen CN230736.

gnomAD v4.1: 1 of 1,614,122 alleles (0.000062%); highest among the groups gnomAD compares: Non-Finnish European, 0.000085%; no homozygotes.

Submission:

Ambry Genetics
Classification: Uncertain significance for Cardiovascular phenotype. Last evaluated: 2022-02-14. Review status: criteria provided, single submitter. Criteria: Ambry Variant Classification Scheme 2023. Collection method: clinical testing. Allele origin: germline.
Comment: The p.A548T variant (also known as c.1642G>A), located in coding exon 11 of the ABCG8 gene, results from a G to A substitution at nucleotide position 1642. The alanine at codon 548 is replaced by threonine, an amino acid with similar properties. This amino acid position is conserved. In addition, this alteration is predicted to be tolerated by in silico analysis. Since supporting evidence is limited at this time, the clinical significance of this alteration remains unclear.